The following is an entry in ClinVar:

NM_182493.3(MYLK3):c.2452T>G (p.Ser818Ala)

Gene: MYLK3 (myosin light chain kinase 3; minus strand). Cytogenetic location: 16q11.2.
Variant type: single nucleotide variant.
Coding change: c.2452T>G on transcript NM_182493.3 (MANE Select); coding-DNA position 2452, T replaced by G.
Protein change: p.Ser818Ala; replaces serine 818 with alanine.
Molecular consequence: missense variant.
Genome position (GRCh38, 1-based): chr16:46,707,712, A>C on the plus strand (T>G on the coding strand, the complement: MYLK3 is on the minus strand). VCF-style: chr16-46707712-A-C. GRCh37 (hg19) VCF-style: chr16-46741624-A-C.
Other names: c.1429T>G, p.Ser477Ala (NM_001308301.1); short protein forms S818A, S477A.
Identifiers: ClinVar variation 2025132 (VCV002025132.4), dbSNP rs1966640114, ClinGen allele CA395785138.

ClinVar aggregate classification (germline): Uncertain significance (1 of 4 stars; one submission).

Allele frequency attached by ClinVar (database versions not stated): TOPMed below 0.00001.

Submission:

Labcorp Genetics (formerly Invitae), Labcorp
Classification: Uncertain significance. Last evaluated: 2022-08-20. Review status: criteria provided, single submitter. Criteria: Invitae Variant Classification Sherloc (09022015). Collection method: clinical testing. Allele origin: germline.
Comment: In summary, the available evidence is currently insufficient to determine the role of this variant in disease. Therefore, it has been classified as a Variant of Uncertain Significance. Algorithms developed to predict the effect of missense changes on protein structure and function (SIFT, PolyPhen-2, Align-GVGD) all suggest that this variant is likely to be tolerated. This variant has not been reported in the literature in individuals affected with MYLK3-related conditions. This variant is not present in population databases (gnomAD no frequency). This sequence change replaces serine, which is neutral and polar, with alanine, which is neutral and non-polar, at codon 818 of the MYLK3 protein (p.Ser818Ala).